The following is an entry in ClinVar:

ClinVar aggregate classification (germline): Likely benign. Review status: criteria provided, multiple submitters, no conflicts (2 of 4 stars). 2 submissions from 2 submitters: Likely benign (2). Last evaluated 2025-01-07.

Conditions:
Lynch syndrome 5 (LYNCH5). Also called: Hereditary non-polyposis colorectal cancer, type 5; Colorectal cancer, hereditary nonpolyposis, type 5. Identifiers: Orphanet 144, MedGen C1833477, MONDO:0013710, OMIM 614350. Disease mechanism: loss of function.
Hereditary cancer-predisposing syndrome. Also called: Tumor predisposition; Hereditary Cancer Syndrome; Hereditary neoplastic syndrome; Neoplastic Syndromes, Hereditary. Identifiers: Orphanet 140162, MedGen C0027672, MeSH D009386, MONDO:0015356.

Submissions (2):

Myriad Genetics, Inc.
Classification: Likely benign for Lynch syndrome 5. Last evaluated: 2025-01-07. Review status: criteria provided, single submitter. Criteria: Myriad Autosomal Dominant, Autosomal Recessive and X-Linked Classification Criteria (2023). Collection method: clinical testing. Allele origin: unknown.
Comment: This variant is considered likely benign. This variant is intronic and is not expected to impact mRNA splicing.

Ambry Genetics
Classification: Likely benign for Hereditary cancer-predisposing syndrome. Last evaluated: 2024-06-18. Review status: criteria provided, single submitter. Criteria: Ambry Variant Classification Scheme 2023. Collection method: clinical testing. Allele origin: germline.

NM_000179.3(MSH6):c.3646+5_3646+8dup

Gene: MSH6 (mutS homolog 6; plus strand). Cytogenetic location: 2p16.3.
Variant type: Duplication.
Coding change: c.3646+5_3646+8dup on transcript NM_000179.3 (MANE Select); bases 5 to 8 of the intron after coding-DNA position 3646, 4 bases duplicated (GACA; older notation c.3646+5_3646+8dupGACA).
Molecular consequence: intron variant.
Genome position (GRCh38, 1-based): chr2:47,805,712-47,805,715, GACA duplicated; duplicating any 4 consecutive bases within chr2:47,805,711-47,805,715 gives the same sequence; the c. name uses the placement nearest the transcript's 3' end. VCF-style (leftmost placement, unchanged base first): chr2-47805710-A-AAGAC. GRCh37 (hg19) VCF-style: chr2-48032849-A-AAGAC.
Other names: c.3646+5_3646+8dup (NM_001406809.1, NM_001406796.1, NM_001406808.1 and 1 more transcripts); c.2740+5_2740+8dup (NM_001406811.1, NM_001406814.1, NM_001281493.2 and 6 more transcripts); c.3349+5_3349+8dup (NM_001406805.1, NM_001406797.1, NM_001406801.1 and 10 more transcripts); c.3742+5_3742+8dup (NM_001406795.1, NM_001406802.1); c.3652+5_3652+8dup (NM_001406813.1); c.3121+5_3121+8dup (NM_001406807.1, NM_001406799.1, NM_001406806.1); c.3472+5_3472+8dup (NM_001406798.1); c.2782+5_2782+8dup (NM_001406803.1); and 7 more.
Identifiers: ClinVar variation 3296419 (VCV003296419.2).
Genomic context (GRCh38, chr2:47,805,710, plus strand): 5'-ACTGCCAGCATACTCATGCATGCAACAGCACATTCTCTGGTGCTTGTGGATGAATTAGGT[A>AAGAC]AGACATTAAACTTCTCATTTGAAGACTATCTATCTTAAAAACATTTGTACAAATAACTAT-3'